The following is an entry in ClinVar:

NM_020759.3(STARD9):c.10245C>T (p.His3415=)

Gene: STARD9 (StAR related lipid transfer domain containing 9; plus strand). Cytogenetic location: 15q15.2.
Variant type: single nucleotide variant.
Coding change: c.10245C>T on transcript NM_020759.3 (MANE Select); coding-DNA position 10245, C replaced by T.
Protein change: p.His3415=; no amino-acid change (histidine 3415 retained).
Molecular consequence: synonymous variant.
Genome position (GRCh38, 1-based): chr15:42,691,823, C>T. VCF-style: chr15-42691823-C-T. GRCh37 (hg19) VCF-style: chr15-42984021-C-T.
Identifiers: ClinVar variation 3035223 (VCV003035223.2), dbSNP rs1218702310, ClinGen allele CA490008854.

ClinVar aggregate classification (germline): Likely benign (0 of 4 stars; one submission).

Conditions:
STARD9-related disorder. Also called: STARD9-related condition.

Allele frequency attached by ClinVar (database versions not stated): TOPMed below 0.00001; gnomAD exomes 0.00001.
gnomAD v4.1: 12 of 1,537,304 alleles (0.00078%); highest among the groups gnomAD compares: Admixed American, 0.016%; no homozygotes.

Submission:

PreventionGenetics, part of Exact Sciences
Classification: Likely benign for STARD9-related condition. Last evaluated: 2019-07-31. Review status: no assertion criteria provided. Collection method: clinical testing. Allele origin: germline.
Comment: This variant is classified as likely benign based on ACMG/AMP sequence variant interpretation guidelines (Richards et al. 2015 PMID: 25741868, with internal and published modifications).